The following is an entry in ClinVar:

NM_007294.4(BRCA1):c.135-2258T>C

Gene: BRCA1 (BRCA1 DNA repair associated; minus strand). Cytogenetic location: 17q21.31.
Variant type: single nucleotide variant.
Coding change: c.135-2258T>C on transcript NM_007294.4 (MANE Select); 2258 bases into the intron before coding-DNA position 135, T replaced by C.
Molecular consequence: intron variant.
Genome position (GRCh38, 1-based): chr17:43,108,791, A>G on the plus strand (T>C on the coding strand, the complement: BRCA1 is on the minus strand). VCF-style: chr17-43108791-A-G. GRCh37 (hg19) VCF-style: chr17-41260808-A-G.
Other names: IVS 3-2258T>C; c.-7-2258T>C (NM_001408458.1, NM_001407931.1, NM_001407747.1 and 82 more transcripts); c.-218-13931T>C (NM_001407967.1, NM_001407966.1); c.-169-3835T>C (NM_001407959.1, NM_001407962.1, NM_001408512.1 and 3 more transcripts); c.-54-2258T>C (NM_001407885.1, NM_001407886.1, NM_001407898.1 and 56 more transcripts); c.-8+1674T>C (NM_001407746.1, NM_001408468.1, NM_001407842.1 and 14 more transcripts); c.135-2258T>C (NM_001407686.1, NM_001408397.1, NM_001407632.1 and 167 more transcripts); c.81-3835T>C (NM_001408451.1); and 3 more.
Identifiers: ClinVar variation 209499 (VCV000209499.2), dbSNP rs4792977, ClinGen allele CA276469.

ClinVar aggregate classification (germline): Benign (3 of 4 stars; one submission).

Conditions:
Breast-ovarian cancer, familial, susceptibility to, 1 (BROVCA1). Also called: BRCA1 Hereditary Breast and Ovarian Cancer; OVARIAN CANCER, SUSCEPTIBILITY TO. Identifiers: Orphanet 145, MedGen C2676676, MONDO:0011450, OMIM 604370. Disease mechanism: loss of function.

Allele frequency attached by ClinVar (database versions not stated): TOPMed 0.30195; gnomAD 0.30538 and 0.31280; 1000 Genomes Project 0.35304.
gnomAD v4.1: 46,820 of 149,636 alleles (31%); highest among the groups gnomAD compares: South Asian, 49%; 7,643 homozygotes.

Submission:

Evidence-based Network for the Interpretation of Germline Mutant Alleles (ENIGMA)
Classification: Benign for Breast-ovarian cancer, familial 1. Last evaluated: 2015-01-12. Review status: reviewed by expert panel. Criteria: ENIGMA BRCA1/2 Classification Criteria (2015). Collection method: curation. Allele origin: germline.
Comment: Class 1 not pathogenic based on frequency >1% in an outbred sampleset. Frequency 0.3304 (Asian), 0.2154 (African), 0.3377 (European), derived from 1000 genomes (2012-04-30).